The following is an entry in ClinVar:

ClinVar aggregate classification (germline): Uncertain significance (1 of 4 stars; one submission).

Conditions:
Leigh syndrome (NULS). Also called: LEIGH SYNDROME, NUCLEAR; Leigh's necrotizing encephalopathy; Leigh's disease; Leigh Syndrome (mtDNA deletion); Leigh's syndrome; Leigh Disease. Identifiers: Orphanet 506, MedGen C2931891, MONDO:0009723, OMIM 256000.

Submission:

Wong Mito Lab, Molecular and Human Genetics, Baylor College of Medicine
Classification: Uncertain significance for Leigh syndrome. Last evaluated: 2019-10-17. Review status: criteria provided, single submitter. Criteria: Modified ACMG Guidelines (Unpublished). Collection method: clinical testing. Allele origin: germline.
Comment: The NC_012920.1:m.8651T>C (YP_003024031.1:p.Leu42Pro) variant in MTATP6 gene is interpretated to be a Uncertain Significance variant based on the modified ACMG guidelines (unpublished). This variant meets the following evidence codes: PP4, PP6

NC_012920.1(MT-ATP6):m.8651T>C

Gene: MT-ATP6 (mitochondrially encoded ATP synthase 6; plus strand).
Variant type: single nucleotide variant.
Genome position: chrM-8651-T-C.
Identifiers: ClinVar variation 441129 (VCV000441129.3), dbSNP rs1556423512, ClinGen allele CA414797179.